The following is an entry in ClinVar:

NM_145290.4(ADGRA3):c.1663A>T (p.Met555Leu)

Gene: ADGRA3 (adhesion G protein-coupled receptor A3; minus strand). Cytogenetic location: 4p15.2.
Variant type: single nucleotide variant.
Coding change: c.1663A>T on transcript NM_145290.4 (MANE Select); coding-DNA position 1663, A replaced by T.
Protein change: p.Met555Leu; replaces methionine 555 with leucine.
Molecular consequence: missense variant.
Genome position (GRCh38, 1-based): chr4:22,421,032, T>A on the plus strand (A>T on the coding strand, the complement: ADGRA3 is on the minus strand). VCF-style: chr4-22421032-T-A. GRCh37 (hg19) VCF-style: chr4-22422655-T-A.
Other names: short protein forms M555L.
Identifiers: ClinVar variation 1512161 (VCV001512161.6), dbSNP rs199947143, ClinGen allele CA356481007.

ClinVar aggregate classification (germline): Uncertain significance (1 of 4 stars; one submission).

Allele frequency attached by ClinVar (database versions not stated): 1000 Genomes Project 30x 0.00016.
gnomAD v4.1: 4 of 1,614,010 alleles (0.00025%); highest among the groups gnomAD compares: East Asian, 0.0045%; no homozygotes.

Submission:

Labcorp Genetics (formerly Invitae), Labcorp
Classification: Uncertain significance. Last evaluated: 2024-05-13. Review status: criteria provided, single submitter. Criteria: Invitae Variant Classification Sherloc (09022015). Collection method: clinical testing. Allele origin: germline.
Comment: This sequence change replaces methionine, which is neutral and non-polar, with leucine, which is neutral and non-polar, at codon 555 of the ADGRA3 protein (p.Met555Leu). This variant is present in population databases (no rsID available, gnomAD 0.01%). This variant has not been reported in the literature in individuals affected with ADGRA3-related conditions. ClinVar contains an entry for this variant (Variation ID: 1512161). An algorithm developed to predict the effect of missense changes on protein structure and function (PolyPhen-2) suggests that this variant is likely to be tolerated. In summary, the available evidence is currently insufficient to determine the role of this variant in disease. Therefore, it has been classified as a Variant of Uncertain Significance.